The following is an entry in ClinVar:

ClinVar aggregate classification (germline): Likely pathogenic. Review status: criteria provided, multiple submitters, no conflicts (2 of 4 stars). 3 submissions from 3 submitters: Likely pathogenic (3). Last evaluated 2024-10-14.

Conditions:
Muscular dystrophy, limb-girdle, autosomal dominant 4. Also called: MUSCULAR DYSTROPHY, LIMB-GIRDLE, TYPE 1I; Calpain-3-related limb-girdle muscular dystrophy D4. Identifiers: Orphanet 565909, MedGen C4748295, MONDO:0029133, OMIM 618129.
CAPN3-related disorder. Also called: CAPN3-related disorders; CAPN3-related condition. Identifiers: MedGen CN239245.

Submissions (3):

PreventionGenetics, part of Exact Sciences
Classification: Likely pathogenic for CAPN3-related condition. Last evaluated: 2024-10-14. Review status: criteria provided, single submitter. Criteria: ACMG Guidelines, 2015. Collection method: clinical testing. Allele origin: germline.
Comment: The CAPN3 c.1355-2A>G variant is predicted to disrupt the AG splice acceptor site and interfere with normal splicing. This variant has not been reported in the literature or in a large population database (gnomAD), indicating this variant is rare. Variants that disrupt the consensus splice acceptor site in CAPN3 are expected to be pathogenic. Different variants affecting the same splice site (c.1355-1G>T and c.1355-1G>C) have been reported in association with autosomal recessive limb-girdle muscular dystrophy (Töpf et al. 2020. PubMed ID: 32528171; Pathak et al. 2021. PubMed ID: 33337384; Dam et al. 2019. PubMed ID: 30919934). This variant is interpreted as likely pathogenic.

Baylor Genetics
Classification: Likely pathogenic for Muscular dystrophy, limb-girdle, autosomal dominant 4. Last evaluated: 2024-02-25. Review status: criteria provided, single submitter. Criteria: ACMG Guidelines, 2015. Collection method: clinical testing. Allele origin: unknown.

Revvity Omics, Revvity
Classification: Likely pathogenic. Last evaluated: 2023-09-25. Review status: criteria provided, single submitter. Criteria: ACMG Guidelines, 2015. Collection method: clinical testing. Allele origin: germline.

NM_000070.3(CAPN3):c.1355-2A>G

Genes: CAPN3 (calpain 3; plus strand), LOC130056921 (ATAC-STARR-seq lymphoblastoid active region 9300; plus strand). Cytogenetic location: 15q15.1.
Variant type: single nucleotide variant.
Coding change: c.1355-2A>G on transcript NM_000070.3 (MANE Select); the canonical splice acceptor site of the intron before coding-DNA position 1355, A replaced by G.
Molecular consequence: splice acceptor variant.
Genome position (GRCh38, 1-based): chr15:42,401,639, A>G. VCF-style: chr15-42401639-A-G. GRCh37 (hg19) VCF-style: chr15-42693837-A-G.
Other names: c.1355-2A>G (NM_024344.2, NM_000070.2); c.1211-2A>G (NM_173087.2).
Identifiers: ClinVar variation 3240997 (VCV003240997.3), dbSNP rs2548276360.